The following is an entry in ClinVar:

ClinVar aggregate classification (germline): Uncertain significance (1 of 4 stars; one submission).

Submission:

GeneDx
Classification: Uncertain significance. Last evaluated: 2019-12-17. Review status: criteria provided, single submitter. Criteria: GeneDx Variant Classification Process June 2021. Collection method: clinical testing. Allele origin: germline. Affected: yes.
Comment: Not observed in large population cohorts (Lek et al., 2016); In silico analysis, which includes protein predictors and evolutionary conservation, supports a deleterious effect; Has not been previously published as pathogenic or benign to our knowledge

NM_001164508.2(NEB):c.25442A>G (p.Asp8481Gly)

Genes: NEB (nebulin; minus strand), RIF1 (replication timing regulatory factor 1; plus strand). Cytogenetic location: 2q23.3.
Variant type: single nucleotide variant.
Coding change: c.25442A>G on transcript NM_001164508.2 (MANE Select); coding-DNA position 25442, A replaced by G.
Protein change: p.Asp8481Gly; replaces aspartic acid 8481 with glycine.
Molecular consequence: missense variant.
Genome position (GRCh38, 1-based): chr2:151,485,896, T>C on the plus strand (A>G on the coding strand, the complement: NEB is on the minus strand). VCF-style: chr2-151485896-T-C. GRCh37 (hg19) VCF-style: chr2-152342410-T-C.
Other names: c.25442A>G, p.Asp8481Gly (NM_001164507.2); c.25547A>G, p.Asp8516Gly (NM_001271208.2); c.19874A>G, p.Asp6625Gly (NM_004543.5); short protein forms D6625G, D8481G, D8516G.
Identifiers: ClinVar variation 1310982 (VCV001310982.2), dbSNP rs2152619643, ClinGen allele CA348770062.
Genomic context (GRCh38, chr2:151,485,896, plus strand): 5'-TCATCAATTGCTTGAACATTTATGATGGCATCTCCATCCTTGAAGGACACCTCATCTGCA[T>C]CAGCAGCCATATAGTCATACATGGCACGGAAGATTTTCTATTCGTGGGGATGGAAAAGGG-3'
Protein context (NP_001157980.2, residues 8471-8491): FRAMYDYMAA[Asp8481Gly]ADEVSFKDGD